The following is an entry in ClinVar:

NM_002234.4(KCNA5):c.1704dup (p.Thr569fs)

Gene: KCNA5 (potassium voltage-gated channel subfamily A member 5; plus strand). Cytogenetic location: 12p13.32.
Variant type: Duplication.
Coding change: c.1704dup on transcript NM_002234.4 (MANE Select); coding-DNA position 1704, one base duplicated (G; older notation c.1704dupG).
Protein change: p.Thr569fs; shifts the reading frame from threonine 569.
Molecular consequence: frameshift variant.
Genome position (GRCh38, 1-based): chr12:5,045,851, G duplicated; the last of 6 consecutive G bases (chr12:5,045,846-5,045,851); duplicating any one gives the same sequence. VCF-style (leftmost placement, unchanged base first): chr12-5045845-T-TG. GRCh37 (hg19) VCF-style: chr12-5155011-T-TG.
Other names: short protein forms T569fs.
Identifiers: ClinVar variation 1677572 (VCV001677572.4), dbSNP rs1565466174, ClinGen allele CA2013431424.

ClinVar aggregate classification (germline): Uncertain significance. Review status: criteria provided, multiple submitters, no conflicts (2 of 4 stars). 3 submissions from 3 submitters: Uncertain significance (3). Last evaluated 2024-10-23.

Conditions:
Atrial fibrillation, familial, 7 (ATFB7). Identifiers: MedGen C2677106, MONDO:0012828, OMIM 612240.

Submissions (3):

Labcorp Genetics (formerly Invitae), Labcorp
Classification: Uncertain significance for Atrial fibrillation, familial, 7. Last evaluated: 2024-10-23. Review status: criteria provided, single submitter. Criteria: Invitae Variant Classification Sherloc (09022015). Collection method: clinical testing. Allele origin: germline.
Comment: This sequence change creates a premature translational stop signal (p.Thr569Aspfs*19) in the KCNA5 gene. While this is not anticipated to result in nonsense mediated decay, it is expected to disrupt the last 45 amino acid(s) of the KCNA5 protein. This variant is not present in population databases (gnomAD no frequency). This variant has not been reported in the literature in individuals affected with KCNA5-related conditions. ClinVar contains an entry for this variant (Variation ID: 1677572). Experimental studies and prediction algorithms are not available or were not evaluated, and the functional significance of this variant is currently unknown. In summary, the available evidence is currently insufficient to determine the role of this variant in disease. Therefore, it has been classified as a Variant of Uncertain Significance.

AiLife Diagnostics
Classification: Uncertain significance. Last evaluated: 2021-10-19. Review status: criteria provided, single submitter. Criteria: ACMG Guidelines, 2015. Collection method: clinical testing. Allele origin: germline. Affected: yes. Observed: 1 variant allele.

Fulgent Genetics
Classification: Uncertain significance for Atrial fibrillation, familial, 7. Last evaluated: 2021-09-07. Review status: criteria provided, single submitter. Criteria: ACMG Guidelines, 2015. Collection method: clinical testing. Allele origin: unknown.